The following is an entry in ClinVar:

NM_000051.4(ATM):c.8242A>G (p.Arg2748Gly)

Genes: ATM (ATM serine/threonine kinase; plus strand), C11orf65 (chromosome 11 open reading frame 65; minus strand). Cytogenetic location: 11q22.3.
Variant type: single nucleotide variant.
Coding change: c.8242A>G on transcript NM_000051.4 (MANE Select); coding-DNA position 8242, A replaced by G.
Protein change: p.Arg2748Gly; replaces arginine 2748 with glycine.
Molecular consequence: missense variant. On other transcripts: intron variant (2).
Genome position (GRCh38, 1-based): chr11:108,335,935, A>G. VCF-style: chr11-108335935-A-G. GRCh37 (hg19) VCF-style: chr11-108206662-A-G.
Other names: c.8242A>G, p.Arg2748Gly (NM_001351834.2); c.641-26864T>C (NM_001330368.2); c.695-643T>C (NM_001351110.2); short protein forms R2748G.
Identifiers: ClinVar variation 4747269 (VCV004747269.1).

ClinVar aggregate classification (germline): Uncertain significance (1 of 4 stars; one submission).

Conditions:
Ataxia-telangiectasia syndrome (AT). Also called: LOUIS-BAR SYNDROME; Cerebello-oculocutaneous telangiectasia; Immunodeficiency with ataxia telangiectasia; Ataxia-telangiectasia, complementation group D; AT, COMPLEMENTATION GROUP C; ATAXIA-TELANGIECTASIA, COMPLEMENTATION GROUP A. Identifiers: Orphanet 100, MedGen C0004135, MONDO:0008840, OMIM 208900.

Submission:

Labcorp Genetics (formerly Invitae), Labcorp
Classification: Uncertain significance for Ataxia-telangiectasia syndrome. Last evaluated: 2025-07-09. Review status: criteria provided, single submitter. Criteria: Invitae Variant Classification Sherloc (09022015). Collection method: clinical testing. Allele origin: germline.
Comment: This sequence change replaces arginine, which is basic and polar, with glycine, which is neutral and non-polar, at codon 2748 of the ATM protein (p.Arg2748Gly). This variant is not present in population databases (gnomAD no frequency). This variant has not been reported in the literature in individuals affected with ATM-related conditions. Invitae Evidence Modeling of protein sequence and biophysical properties (such as structural, functional, and spatial information, amino acid conservation, physicochemical variation, residue mobility, and thermodynamic stability) indicates that this missense variant is expected to disrupt ATM protein function with a positive predictive value of 95%. In summary, the available evidence is currently insufficient to determine the role of this variant in disease. Therefore, it has been classified as a Variant of Uncertain Significance.